The following is an entry in ClinVar:

ClinVar aggregate classification (germline): Uncertain significance (1 of 4 stars; one submission).

Allele frequency attached by ClinVar (database versions not stated): TOPMed below 0.00001; gnomAD exomes 0.00001; ExAC 0.00002; gnomAD 0.00002.
gnomAD v4.1: 19 of 1,536,012 alleles (0.0012%); highest among the groups gnomAD compares: Non-Finnish European, 0.0017%; no homozygotes.

Submission:

Labcorp Genetics (formerly Invitae), Labcorp
Classification: Uncertain significance. Last evaluated: 2026-01-26. Review status: criteria provided, single submitter. Criteria: Invitae Variant Classification Sherloc (09022015). Collection method: clinical testing. Allele origin: germline.
Comment: This sequence change falls in intron 14 of the FAT4 gene. It does not directly change the encoded amino acid sequence of the FAT4 protein. This variant is present in population databases (rs765032032, gnomAD 0.002%). This variant has not been reported in the literature in individuals affected with FAT4-related conditions. ClinVar contains an entry for this variant (Variation ID: 1908437). Algorithms developed to predict the effect of sequence changes on RNA splicing suggest that this variant may create or strengthen a splice site. In summary, the available evidence is currently insufficient to determine the role of this variant in disease. Therefore, it has been classified as a Variant of Uncertain Significance.

NM_001291303.3(FAT4):c.12604+10G>T

Gene: FAT4 (FAT atypical cadherin 4; plus strand). Cytogenetic location: 4q28.1.
Variant type: single nucleotide variant.
Coding change: c.12604+10G>T on transcript NM_001291303.3 (MANE Select); 10 bases into the intron after coding-DNA position 12604, G replaced by T.
Molecular consequence: intron variant.
Genome position (GRCh38, 1-based): chr4:125,479,875, G>T. VCF-style: chr4-125479875-G-T. GRCh37 (hg19) VCF-style: chr4-126401030-G-T.
Other names: c.12604+10G>T (NM_001291285.3); c.12598+10G>T (NM_024582.6).
Identifiers: ClinVar variation 1908437 (VCV001908437.5), dbSNP rs765032032, ClinGen allele CA3074145.
Genomic context (GRCh38, chr4:125,479,875, plus strand): 5'-GGCAGCAGTGTCATTGCAAAGAGGGACTCACTGGGAAATACTGTGAAAAATGTATGTAAG[G>T]TCTTCCGTCTTCCCCTGGAAATTTTAATAACTATGAAAAGTAAAATATATGCACCCAAGT-3'